The following is an entry in ClinVar:

NM_001257180.2(SLC20A2):c.-89A>G

Gene: SLC20A2 (solute carrier family 20 member 2; minus strand). Cytogenetic location: 8p11.21.
Variant type: single nucleotide variant.
Coding change: c.-89A>G on transcript NM_001257180.2 (MANE Select); 89 bases upstream of the start codon, A replaced by G.
Molecular consequence: 5 prime UTR variant.
Genome position (GRCh38, 1-based): chr8:42,472,479, T>C on the plus strand (A>G on the coding strand, the complement: SLC20A2 is on the minus strand). VCF-style: chr8-42472479-T-C. GRCh37 (hg19) VCF-style: chr8-42329997-T-C.
Other names: c.-89A>G (NM_001257181.2, NM_006749.5).
Identifiers: ClinVar variation 363095 (VCV000363095.29), dbSNP rs185590768, ClinGen allele CA10625493.
Genomic context (GRCh38, chr8:42,472,479, plus strand): 5'-TTTTGCAGGAATATTTTAAATAAACAAAGCTTGAGGTTATAAACTTCGTAAGGCCAAGAG[T>C]TCTTGTAAACAGTGAGTTTGCTCTGGAAAGTGCTGGACAATGTTAGAGGCTGGACAAACT-3'

ClinVar aggregate classification (germline): Conflicting classifications of pathogenicity. Review status: criteria provided, conflicting classifications (1 of 4 stars). 2 submissions from 2 submitters: Uncertain significance (1); Benign (1). Last evaluated 2022-10-01.

Conditions:
Idiopathic basal ganglia calcification 1 (PFBC1A). Also called: Familial Idiopathic Basal Ganglia Calcification 2; Familial Idiopathic Basal Ganglia Calcification 3; Primary Familial Brain Calcification; PRIMARY FAMILIAL BRAIN CALCIFICATION 1A, AUTOSOMAL DOMINANT; Fahr's syndrome; Cerebral calcification nonarteriosclerotic idiopathic adult-onset. Identifiers: Orphanet 1980, MedGen C4551624, MONDO:0024538, OMIM 213600.

Allele frequency attached by ClinVar (database versions not stated): gnomAD 0.00057 and 0.00055; 1000 Genomes Project 0.00040; TOPMed 0.00074; 1000 Genomes Project 30x 0.00031; gnomAD exomes 0.00072.
gnomAD v4.1: 869 of 1,229,436 alleles (0.071%); highest among the groups gnomAD compares: Non-Finnish European, 0.071%; 4 homozygotes.

Submissions (2):

CeGaT Center for Human Genetics Tuebingen
Classification: Benign. Last evaluated: 2022-10-01. Review status: criteria provided, single submitter. Criteria: CeGaT Center For Human Genetics Tuebingen Variant Classification Criteria Version 2. Collection method: clinical testing. Allele origin: germline. Affected: yes. Observed: 2 variant alleles.
Comment: SLC20A2: BS1, BS2

Illumina Laboratory Services, Illumina
Classification: Uncertain significance for Idiopathic basal ganglia calcification 1. Last evaluated: 2018-01-13. Review status: criteria provided, single submitter. Criteria: ICSL Variant Classification Criteria 13 December 2019. Collection method: clinical testing. Allele origin: germline.